The following is an entry in ClinVar:

ClinVar aggregate classification (germline): Uncertain significance (1 of 4 stars; one submission).

Conditions:
Charcot-Marie-Tooth disease type 4. Also called: Charcot-Marie-Tooth disease, type IV; Charcot-Marie-Tooth, Type 4. Identifiers: Orphanet 64749, MedGen C4082197, MONDO:0018995.

Submission:

Labcorp Genetics (formerly Invitae), Labcorp
Classification: Uncertain significance for Charcot-Marie-Tooth disease type 4. Last evaluated: 2024-04-08. Review status: criteria provided, single submitter. Criteria: Invitae Variant Classification Sherloc (09022015). Collection method: clinical testing. Allele origin: germline.
Comment: This sequence change replaces histidine, which is basic and polar, with leucine, which is neutral and non-polar, at codon 955 of the SH3TC2 protein (p.His955Leu). This variant is not present in population databases (gnomAD no frequency). This variant has not been reported in the literature in individuals affected with SH3TC2-related conditions. ClinVar contains an entry for this variant (Variation ID: 2084077). Advanced modeling of protein sequence and biophysical properties (such as structural, functional, and spatial information, amino acid conservation, physicochemical variation, residue mobility, and thermodynamic stability) performed at Invitae indicates that this missense variant is not expected to disrupt SH3TC2 protein function with a negative predictive value of 95%. In summary, the available evidence is currently insufficient to determine the role of this variant in disease. Therefore, it has been classified as a Variant of Uncertain Significance.

NM_024577.4(SH3TC2):c.2864A>T (p.His955Leu)

Gene: SH3TC2 (SH3 domain and tetratricopeptide repeats 2; minus strand). Cytogenetic location: 5q32.
Variant type: single nucleotide variant.
Coding change: c.2864A>T on transcript NM_024577.4 (MANE Select); coding-DNA position 2864, A replaced by T.
Protein change: p.His955Leu; replaces histidine 955 with leucine.
Molecular consequence: missense variant.
Genome position (GRCh38, 1-based): chr5:149,026,868, T>A on the plus strand (A>T on the coding strand, the complement: SH3TC2 is on the minus strand). VCF-style: chr5-149026868-T-A. GRCh37 (hg19) VCF-style: chr5-148406431-T-A.
Other names: short protein forms H955L.
Identifiers: ClinVar variation 2084077 (VCV002084077.4), dbSNP rs1754073175, ClinGen allele CA361665464.